The following is an entry in ClinVar:

NM_004006.3(DMD):c.961-148C>T

Gene: DMD (dystrophin; minus strand). Cytogenetic location: Xp21.1.
Variant type: single nucleotide variant.
Coding change: c.961-148C>T on transcript NM_004006.3 (MANE Select); 148 bases into the intron before coding-DNA position 961, C replaced by T.
Molecular consequence: intron variant.
Genome position (GRCh38, 1-based): chrX:32,645,300, G>A on the plus strand (C>T on the coding strand, the complement: DMD is on the minus strand). VCF-style: chrX-32645300-G-A. GRCh37 (hg19) VCF-style: chrX-32663417-G-A.
Other names: c.937-148C>T (NM_000109.4); c.949-148C>T (NM_004009.3); c.592-148C>T (NM_004010.3).
Identifiers: ClinVar variation 672485 (VCV000672485.1), dbSNP rs72470511, ClinGen allele CA328544826.

ClinVar aggregate classification (germline): Benign (1 of 4 stars; one submission).

Allele frequency attached by ClinVar (database versions not stated): gnomAD 0.03082 and 0.03171; TOPMed 0.03433; gnomAD exomes 0.01429; 1000 Genomes Project 0.02861; 1000 Genomes Project 30x 0.03018.
gnomAD v4.1: 10,519 of 597,660 alleles (1.8%); highest among the groups gnomAD compares: African/African-American, 7.6%; 137 homozygotes.

Submission:

GeneDx
Classification: Benign. Last evaluated: 2018-06-14. Review status: criteria provided, single submitter. Criteria: GeneDx Variant Classification (06012015). Collection method: clinical testing. Allele origin: germline. Affected: yes.
Comment: This variant is considered likely benign or benign based on one or more of the following criteria: it is a conservative change, it occurs at a poorly conserved position in the protein, it is predicted to be benign by multiple in silico algorithms, and/or has population frequency not consistent with disease.